The following is an entry in ClinVar:

NM_001370259.2(MEN1):c.1517C>T (p.Thr506Ile)

Gene: MEN1 (menin 1; minus strand). Cytogenetic location: 11q13.1.
Variant type: single nucleotide variant.
Coding change: c.1517C>T on transcript NM_001370259.2 (MANE Select); coding-DNA position 1517, C replaced by T.
Protein change: p.Thr506Ile; replaces threonine 506 with isoleucine.
Molecular consequence: missense variant.
Genome position (GRCh38, 1-based): chr11:64,804,650, G>A on the plus strand (C>T on the coding strand, the complement: MEN1 is on the minus strand). VCF-style: chr11-64804650-G-A. GRCh37 (hg19) VCF-style: chr11-64572122-G-A.
Other names: c.1532C>T, p.Thr511Ile (NM_000244.4, NM_130800.3, NM_130801.3 and 3 more transcripts); c.1643C>T, p.Thr548Ile (NM_001370251.2); c.1517C>T, p.Thr506Ile (NM_001370260.2, NM_001370261.2, NM_130799.3); c.1412C>T, p.Thr471Ile (NM_001370262.2, NM_001370263.2); short protein forms T506I, T511I, T471I, T548I.
Identifiers: ClinVar variation 573131 (VCV000573131.14), dbSNP rs1347992299, ClinGen allele CA381178722.

ClinVar aggregate classification (germline): Conflicting classifications of pathogenicity. Review status: criteria provided, conflicting classifications (1 of 4 stars). 3 submissions from 3 submitters: Uncertain significance (2); Likely benign (1). Last evaluated 2026-08-28.

Conditions:
Hereditary cancer-predisposing syndrome. Also called: Neoplastic Syndromes, Hereditary; Hereditary Cancer Syndrome; Hereditary neoplastic syndrome; Tumor predisposition. Identifiers: Orphanet 140162, MedGen C0027672, MeSH D009386, MONDO:0015356.
Multiple endocrine neoplasia, type 1 (MEN1). Also called: MEN I; WERMER SYNDROME; Endocrine adenomatosis multiple; MEN 1; MEA I. Identifiers: Orphanet 652, MedGen C0025267, MeSH D018761, MONDO:0007540, OMIM 131100.

Allele frequency attached by ClinVar (database versions not stated): gnomAD exomes below 0.00001.
gnomAD v4.1: 3 of 1,600,598 alleles (0.00019%); highest among the groups gnomAD compares: Non-Finnish European, 0.00026%; no homozygotes.

Submissions (3):

Ambry Genetics
Classification: Likely benign for Hereditary cancer-predisposing syndrome. Last evaluated: 2026-08-28. Review status: criteria provided, single submitter. Criteria: Ambry Variant Classification Scheme 2023. Collection method: clinical testing. Allele origin: germline.

Labcorp Genetics (formerly Invitae), Labcorp
Classification: Uncertain significance for Multiple endocrine neoplasia, type 1. Last evaluated: 2025-09-15. Review status: criteria provided, single submitter. Criteria: Invitae Variant Classification Sherloc (09022015). Collection method: clinical testing. Allele origin: germline.
Comment: This sequence change replaces threonine, which is neutral and polar, with isoleucine, which is neutral and non-polar, at codon 506 of the MEN1 protein (p.Thr506Ile). This variant is not present in population databases (gnomAD no frequency). This variant has not been reported in the literature in individuals affected with MEN1-related conditions. ClinVar contains an entry for this variant (Variation ID: 573131). Invitae Evidence Modeling of protein sequence and biophysical properties (such as structural, functional, and spatial information, amino acid conservation, physicochemical variation, residue mobility, and thermodynamic stability) indicates that this missense variant is not expected to disrupt MEN1 protein function with a negative predictive value of 95%. In summary, the available evidence is currently insufficient to determine the role of this variant in disease. Therefore, it has been classified as a Variant of Uncertain Significance.

All of Us Research Program, National Institutes of Health
Classification: Uncertain significance for Multiple endocrine neoplasia, type 1. Last evaluated: 2023-04-03. Review status: criteria provided, single submitter. Criteria: ACMG Guidelines, 2015. Collection method: clinical testing. Allele origin: germline. Inheritance: Autosomal dominant inheritance. Observed: 1 variant allele, 1 heterozygote.
Comment: This missense variant replaces threonine with isoleucine at codon 506 of the MEN1 protein. Computational prediction suggests that this variant may not impact protein structure and function (internally defined REVEL score threshold <= 0.5, PMID: 27666373). To our knowledge, functional studies have not been reported for this variant. This variant has not been reported in individuals affected with MEN1-related disorders in the literature. This variant has not been identified in the general population by the Genome Aggregation Database (gnomAD). The available evidence is insufficient to determine the role of this variant in disease conclusively. Therefore, this variant is classified as a Variant of Uncertain Significance.

This study involves interpretation of variants in research participants for the purpose of population health screening. Participant phenotype was not available at the time of variant classification. Additional details can be found in publication PMID: 35346344, PMCID: PMC8962531